The following is an entry in ClinVar:

ClinVar aggregate classification (germline): Uncertain significance. Review status: criteria provided, multiple submitters, no conflicts (2 of 4 stars). 2 submissions from 2 submitters: Uncertain significance (2). Last evaluated 2023-02-17.

Conditions:
Cardiac arrhythmia. Also called: Arrhythmia; Cardiac rhythm disease. Identifiers: MedGen C0003811, MONDO:0007263, HP:0011675.

gnomAD v4.1: 3 of 1,614,110 alleles (0.00019%); highest among the groups gnomAD compares: Non-Finnish European, 0.00017%; no homozygotes.

Submissions (2):

Color Diagnostics, LLC DBA Color Health
Classification: Uncertain significance for Cardiac arrhythmia. Last evaluated: 2023-02-17. Review status: criteria provided, single submitter. Criteria: ACMG Guidelines, 2015. Collection method: clinical testing. Allele origin: germline.
Comment: This missense variant replaces serine with phenylalanine at codon 140 of the KCNH2 protein. Computational prediction suggests that this variant may not impact protein structure and function (internally defined REVEL score threshold <= 0.5, PMID: 27666373). To our knowledge, functional studies have not been reported for this variant. This variant has not been reported in individuals affected with KCNH2-related disorders in the literature. This variant has not been identified in the general population by the Genome Aggregation Database (gnomAD). The available evidence is insufficient to determine the role of this variant in disease conclusively. Therefore, this variant is classified as a Variant of Uncertain Significance.

CeGaT Center for Human Genetics Tuebingen
Classification: Uncertain significance. Last evaluated: 2022-11-01. Review status: criteria provided, single submitter. Criteria: CeGaT Center For Human Genetics Tuebingen Variant Classification Criteria Version 2. Collection method: clinical testing. Allele origin: germline. Affected: yes. Observed: 1 variant allele.
Comment: KCNH2: PM2, PP2, BP5

NM_000238.4(KCNH2):c.419C>T (p.Ser140Phe)

Gene: KCNH2 (potassium voltage-gated channel subfamily H member 2; minus strand). Cytogenetic location: 7q36.1.
Variant type: single nucleotide variant.
Coding change: c.419C>T on transcript NM_000238.4 (MANE Select); coding-DNA position 419, C replaced by T.
Protein change: p.Ser140Phe; replaces serine 140 with phenylalanine.
Molecular consequence: missense variant.
Genome position (GRCh38, 1-based): chr7:150,959,625, G>A on the plus strand (C>T on the coding strand, the complement: KCNH2 is on the minus strand). VCF-style: chr7-150959625-G-A. GRCh37 (hg19) VCF-style: chr7-150656713-G-A.
Other names: c.131C>T, p.Ser44Phe (NM_001406753.1, NM_001406756.1); c.242C>T, p.Ser81Phe (NM_001406755.1); c.119C>T, p.Ser40Phe (NM_001406757.1); c.419C>T, p.Ser140Phe (NM_172056.3); short protein forms S140F, S40F, S44F, S81F.
Identifiers: ClinVar variation 1879703 (VCV001879703.31), dbSNP rs1287920132, ClinGen allele CA369863692.